The following is an entry in ClinVar:

ClinVar aggregate classification (germline): Conflicting classifications of pathogenicity. Review status: criteria provided, conflicting classifications (1 of 4 stars). 14 submissions from 14 submitters: Pathogenic (4); Likely pathogenic (7); Uncertain significance (2). 1 of the submissions does not count toward it. Last evaluated 2025-11-18.

Conditions:
Neonatal encephalomyopathy-cardiomyopathy-respiratory distress syndrome. Also called: Coenzyme Q10 deficiency, primary, 7. Identifiers: Orphanet 457185, MedGen C5568562, MONDO:0014562, OMIM 616276.
Spastic ataxia 10, autosomal recessive (SPAX10). Identifiers: MedGen C5882738, MONDO:0958009, OMIM 620666.

Allele frequency attached by ClinVar (database versions not stated): gnomAD exomes below 0.00001 and 0.00001.
gnomAD v4.1: 5 of 1,598,524 alleles (0.00031%); highest among the groups gnomAD compares: Non-Finnish European, 0.00026%; no homozygotes.

Submissions (14):

Women's Health and Genetics/Laboratory Corporation of America, LabCorp
Classification: Pathogenic for Neonatal encephalomyopathy-cardiomyopathy-respiratory distress syndrome. Last evaluated: 2025-11-18. Review status: criteria provided, single submitter. Criteria: LabCorp Variant Classification Summary - May 2015. Collection method: clinical testing. Allele origin: germline.
Comment: Variant summary: COQ4 c.437T>G (p.Phe146Cys) results in a non-conservative amino acid change in the encoded protein sequence. Algorithms developed to predict the effect of missense changes on protein structure and function are either unavailable or do not agree on the potential impact of this missense change. The variant allele was found at a frequency of 4.4e-06 in 225000 control chromosomes (gnomAD). c.437T>G has been observed in multiple individuals affected with Coenzyme Q10 deficiency (e.g., Hashemi_2021, Bertoli-Aveila_2021, Laugwitz_2022). These data indicate that the variant is very likely to be associated with disease. The following publications have been ascertained in the context of this evaluation (PMID: 33215859, 32860008, 34656997). ClinVar contains an entry for this variant (Variation ID: 488487). Based on the evidence outlined above, the variant was classified as pathogenic.

First Genomix Gene Laboratory, Genetic Diagnostics Department
Classification: Likely pathogenic for Neonatal encephalomyopathy-cardiomyopathy-respiratory distress syndrome; Spastic ataxia 10, autosomal recessive. Last evaluated: 2025-09-15. Review status: criteria provided, single submitter. Criteria: ACMG Guidelines, 2015. Collection method: clinical testing. Allele origin: germline. Inheritance: Autosomal recessive inheritance. Affected: no. Observed: 1 variant allele.

Labcorp Genetics (formerly Invitae), Labcorp
Classification: Pathogenic for Neonatal encephalomyopathy-cardiomyopathy-respiratory distress syndrome. Last evaluated: 2025-06-20. Review status: criteria provided, single submitter. Criteria: Invitae Variant Classification Sherloc (09022015). Collection method: clinical testing. Allele origin: germline.
Comment: This sequence change replaces phenylalanine, which is neutral and non-polar, with cysteine, which is neutral and slightly polar, at codon 146 of the COQ4 protein (p.Phe146Cys). This variant is present in population databases (no rsID available, gnomAD no frequency). This missense change has been observed in individuals with coenzyme Q10 deficiency (PMID: 32860008, 33215859, 34656997, 36047608). ClinVar contains an entry for this variant (Variation ID: 488487). Invitae Evidence Modeling of protein sequence and biophysical properties (such as structural, functional, and spatial information, amino acid conservation, physicochemical variation, residue mobility, and thermodynamic stability) has been performed for this missense variant. However, the output from this modeling did not meet the statistical confidence thresholds required to predict the impact of this variant on COQ4 protein function. Studies have shown that this missense change alters COQ4 gene expression (PMID: 34656997, 36047608). For these reasons, this variant has been classified as Pathogenic.

Institute of Human Genetics, University of Leipzig Medical Center
Classification: Likely pathogenic for Neonatal encephalomyopathy-cardiomyopathy-respiratory distress syndrome. Last evaluated: 2025-05-26. Review status: criteria provided, single submitter. Criteria: ACMG Guidelines, 2015. Collection method: clinical testing. Allele origin: unknown. Inheritance: Autosomal recessive inheritance. Affected: yes.
Comment: Criteria applied: PM1,PM2,PM3,PP3

Kariminejad - Najmabadi Pathology & Genetics Center
Classification: Uncertain significance for Neonatal encephalomyopathy-cardiomyopathy-respiratory distress syndrome. Last evaluated: 2022-11-24. Review status: criteria provided, single submitter. Criteria: ACMG Guidelines, 2015. Collection method: clinical testing. Allele origin: germline. Inheritance: Autosomal recessive inheritance. Affected: yes.

MGZ Medical Genetics Center
Classification: Likely pathogenic for Neonatal encephalomyopathy-cardiomyopathy-respiratory distress syndrome. Last evaluated: 2022-01-17. Review status: criteria provided, single submitter. Criteria: ACMG Guidelines, 2015. Collection method: clinical testing. Allele origin: germline. Affected: yes. Observed: 2 variant alleles.
Comment: ACMG criteria applied: PS4, PM3, PM2_SUP, PP3

Institute of Medical Genetics and Applied Genomics, University Hospital Tübingen
Classification: Likely pathogenic. Last evaluated: 2020-10-23. Review status: criteria provided, single submitter. Criteria: ACMG Guidelines, 2015. Collection method: clinical testing. Allele origin: germline. Inheritance: Autosomal recessive inheritance. Affected: yes.

CeGaT Center for Human Genetics Tuebingen
Classification: Uncertain significance. Last evaluated: 2018-03-01. Review status: criteria provided, single submitter. Criteria: CeGaT Center For Human Genetics Tuebingen Variant Classification Criteria Version 2. Collection method: clinical testing. Allele origin: germline. Affected: yes. Observed: 1 variant allele.

Institute of Human Genetics Munich, TUM University Hospital
Classification: Likely pathogenic for Neonatal encephalomyopathy-cardiomyopathy-respiratory distress syndrome. Last evaluated: 2017-12-11. Review status: criteria provided, single submitter. Criteria: Classification criteria August 2017. Collection method: clinical testing. Allele origin: germline. Inheritance: Autosomal recessive inheritance. Affected: yes. Observed: 1 homozygote.

Genomic Research Center, Shahid Beheshti University of Medical Sciences
Classification: Likely pathogenic for Neonatal encephalomyopathy-cardiomyopathy-respiratory distress syndrome. Last evaluated: 2017-12-03. Review status: criteria provided, single submitter. Criteria: ACMG Guidelines, 2015. Collection method: clinical testing. Allele origin: inherited. Affected: yes.

CENTOGENE GmbH and LLC - Guiding Precision Medicine
Classification: Pathogenic for Neonatal encephalomyopathy-cardiomyopathy-respiratory distress syndrome. Review status: criteria provided, single submitter. Criteria: ACMG Guidelines, 2015. Collection method: clinical testing. Allele origin: germline. Affected: yes.

Department of Pediatric Genetics, Istanbul University - Cerrahpasa
Classification: Pathogenic for Coenzyme Q10 deficiency, primary, 7. Review status: criteria provided, single submitter. Criteria: ACMG Guidelines, 2015. Collection method: clinical testing. Allele origin: germline. Affected: yes.

Neuberg Centre For Genomic Medicine, NCGM
Classification: Likely pathogenic for Neonatal encephalomyopathy-cardiomyopathy-respiratory distress syndrome. Review status: criteria provided, single submitter. Criteria: ACMG Guidelines, 2015. Collection method: clinical testing. Allele origin: germline. Affected: yes.
Comment: The missense variant p.F146C in COQ4 (NM_016035.5) has been previously reported (Bertoli-Avella AM et al). The variant has been submitted to ClinVar as Pathogenic/Likely pathogenic and Uncertain Significance. The p.F146C variant is observed in 1/2,25,000 (0.0004%) alleles from individuals of all background in gnomAD Exomes and is novel (not in any individuals) in 1000 Genomes. The p.F146C missense variant is predicted to be damaging by both SIFT and PolyPhen2. The phenylalanine residue at codon 146 of COQ4 is conserved in all mammalian species. The nucleotide c.437 in COQ4 is predicted conserved by GERP++ and PhyloP across 100 vertebrates. For these reasons, this variant has been classified as Likely Pathogenic.

Myelin Disorders Clinic-Children's Medical Center/Medical Genetics Lab-Tarbiat Modares University, Children's Medical Center, Pediatrics Center of Excellence,
Classification: Uncertain significance for Neonatal encephalomyopathy-cardiomyopathy-respiratory distress syndrome. Review status: no assertion criteria provided. Collection method: clinical testing. Allele origin: inherited. Inheritance: Autosomal recessive inheritance. Affected: yes. Not counted in ClinVar's aggregate classification.

Literature cited by the submitters: PubMed 32860008 (cited by 3 submitters); PubMed 34656997 (cited by Women's Health and Genetics/Laboratory Corporation of America, LabCorp and Labcorp Genetics (formerly Invitae), Labcorp); PubMed 33215859 (cited by Women's Health and Genetics/Laboratory Corporation of America, LabCorp and Labcorp Genetics (formerly Invitae), Labcorp); PubMed 36047608 (cited by Labcorp Genetics (formerly Invitae), Labcorp).

NM_016035.5(COQ4):c.437T>G (p.Phe146Cys)

Gene: COQ4 (coenzyme Q4; plus strand). Cytogenetic location: 9q34.11.
Variant type: single nucleotide variant.
Coding change: c.437T>G on transcript NM_016035.5 (MANE Select); coding-DNA position 437, T replaced by G.
Protein change: p.Phe146Cys; replaces phenylalanine 146 with cysteine.
Molecular consequence: missense variant. On other transcripts: intron variant (1).
Genome position (GRCh38, 1-based): chr9:128,332,187, T>G. VCF-style: chr9-128332187-T-G. GRCh37 (hg19) VCF-style: chr9-131094466-T-G.
Other names: c.[437T>G] (NM_016035.4); c.3-1287T>G (NM_001305942.2); short protein forms F146C.
Identifiers: ClinVar variation 488487 (VCV000488487.78), dbSNP rs1163170578, ClinGen allele CA375022910.